The following is an entry in ClinVar:

NM_013386.5(SLC25A24):c.822+1G>A

Gene: SLC25A24 (solute carrier family 25 member 24; minus strand). Cytogenetic location: 1p13.3.
Variant type: single nucleotide variant.
Coding change: c.822+1G>A on transcript NM_013386.5 (MANE Select); the canonical splice donor site of the intron after coding-DNA position 822, G replaced by A.
Molecular consequence: splice donor variant.
Genome position (GRCh38, 1-based): chr1:108,154,982, C>T on the plus strand (G>A on the coding strand, the complement: SLC25A24 is on the minus strand). VCF-style: chr1-108154982-C-T. GRCh37 (hg19) VCF-style: chr1-108697604-C-T.
Other names: c.765+1G>A (NM_213651.3).
Identifiers: ClinVar variation 2973347 (VCV002973347.3), dbSNP rs1048734028, ClinGen allele CA28544685.
Genomic context (GRCh38, chr1:108,154,982, plus strand): 5'-TTTATTGAATCCGTTTACTAACTCCTCTTTGTTAATAAATTCCACGGGTGATAACAATTA[C>T]CTGTTCATATGCCCAGAATTTAACAGCTGTCTCAGGAGCAATTTTGATGACGTTTGTACC-3'

ClinVar aggregate classification (germline): Uncertain significance (1 of 4 stars; one submission).

Allele frequency attached by ClinVar (database versions not stated): gnomAD 0.00001; TOPMed 0.00001.
gnomAD v4.1: 1 of 1,604,218 alleles (0.000062%); highest among the groups gnomAD compares: African/African-American, 0.0013%; no homozygotes.

Submission:

Labcorp Genetics (formerly Invitae), Labcorp
Classification: Uncertain significance. Last evaluated: 2023-12-16. Review status: criteria provided, single submitter. Criteria: Invitae Variant Classification Sherloc (09022015). Collection method: clinical testing. Allele origin: germline.
Comment: This sequence change affects a donor splice site in intron 6 of the SLC25A24 gene. It is expected to disrupt RNA splicing. Variants that disrupt the donor or acceptor splice site typically lead to a loss of protein function (PMID: 16199547), however the current clinical and genetic evidence is not sufficient to establish whether loss-of-function variants in SLC25A24 cause disease. This variant is present in population databases (no rsID available, gnomAD 0.01%). This variant has not been reported in the literature in individuals affected with SLC25A24-related conditions. Algorithms developed to predict the effect of sequence changes on RNA splicing suggest that this variant may disrupt the consensus splice site. In summary, the available evidence is currently insufficient to determine the role of this variant in disease. Therefore, it has been classified as a Variant of Uncertain Significance.

Literature cited by the submitters: PubMed 16199547.